The following is an entry in ClinVar:

NM_003119.4(SPG7):c.1115C>T (p.Ala372Val)

Gene: SPG7 (SPG7 matrix AAA peptidase subunit, paraplegin; plus strand). Cytogenetic location: 16q24.3.
Variant type: single nucleotide variant.
Coding change: c.1115C>T on transcript NM_003119.4 (MANE Select); coding-DNA position 1115, C replaced by T.
Protein change: p.Ala372Val; replaces alanine 372 with valine.
Molecular consequence: missense variant.
Genome position (GRCh38, 1-based): chr16:89,532,031, C>T. VCF-style: chr16-89532031-C-T. GRCh37 (hg19) VCF-style: chr16-89598439-C-T.
Other names: c.1115C>T, p.Ala372Val (NM_001363850.1, NM_199367.3); c.1115C>T (NM_003119.3); short protein forms A372V.
Identifiers: ClinVar variation 1207570 (VCV001207570.8), dbSNP rs776176403, ClinGen allele CA8243941.

ClinVar aggregate classification (germline): Uncertain significance. Review status: criteria provided, multiple submitters, no conflicts (2 of 4 stars). 4 submissions from 4 submitters: Uncertain significance (4). Last evaluated 2025-08-29.

Conditions:
Inborn genetic diseases. Identifiers: MedGen C0950123, MeSH D030342.
Hereditary spastic paraplegia 7 (SPG7). Also called: Spastic paraplegia 7; Hereditary spastic paraplegia Paraplegin type; SPASTIC PARAPLEGIA 7, AUTOSOMAL RECESSIVE, WITH OR WITHOUT CEREBELLAR ATAXIA; Autosomal recessive spastic paraplegia type 7; SPG7-related neurologic disorder. Identifiers: Orphanet 99013, MedGen C1846564, MONDO:0011803, OMIM 607259.
SPG7-related disorder. Also called: SPG7-related condition.

Allele frequency attached by ClinVar (database versions not stated): ExAC 0.00001; gnomAD 0.00001; gnomAD exomes 0.00001.
gnomAD v4.1: 17 of 1,613,246 alleles (0.0011%); highest among the groups gnomAD compares: Admixed American, 0.0017%; no homozygotes.

Submissions (4):

Ambry Genetics
Classification: Uncertain significance for Inborn genetic diseases. Last evaluated: 2025-08-29. Review status: criteria provided, single submitter. Criteria: Ambry Variant Classification Scheme 2023. Collection method: clinical testing. Allele origin: germline.

PreventionGenetics, part of Exact Sciences
Classification: Uncertain significance for SPG7-related condition. Last evaluated: 2025-03-07. Review status: criteria provided, single submitter. Criteria: ACMG Guidelines, 2015. Collection method: clinical testing. Allele origin: germline.
Comment: The SPG7 c.1115C>T variant is predicted to result in the amino acid substitution p.Ala372Val. To our knowledge, this variant has not been reported in the literature. This variant is reported in 0.0018% of alleles in individuals of European (Non-Finnish) descent in gnomAD. At this time, the clinical significance of this variant is uncertain due to the absence of conclusive functional and genetic evidence.

Labcorp Genetics (formerly Invitae), Labcorp
Classification: Uncertain significance for Hereditary spastic paraplegia 7. Last evaluated: 2022-12-21. Review status: criteria provided, single submitter. Criteria: Invitae Variant Classification Sherloc (09022015). Collection method: clinical testing. Allele origin: germline.
Comment: This sequence change replaces alanine, which is neutral and non-polar, with valine, which is neutral and non-polar, at codon 372 of the SPG7 protein (p.Ala372Val). In summary, the available evidence is currently insufficient to determine the role of this variant in disease. Therefore, it has been classified as a Variant of Uncertain Significance. Advanced modeling of protein sequence and biophysical properties (such as structural, functional, and spatial information, amino acid conservation, physicochemical variation, residue mobility, and thermodynamic stability) has been performed at Invitae for this missense variant, however the output from this modeling did not meet the statistical confidence thresholds required to predict the impact of this variant on SPG7 protein function. ClinVar contains an entry for this variant (Variation ID: 1207570). This variant has not been reported in the literature in individuals affected with SPG7-related conditions. This variant is present in population databases (rs776176403, gnomAD 0.002%).

GeneDx
Classification: Uncertain significance. Last evaluated: 2020-04-08. Review status: criteria provided, single submitter. Criteria: GeneDx Variant Classification Process June 2021. Collection method: clinical testing. Allele origin: germline. Affected: yes.
Comment: Not observed at a significant frequency in large population cohorts (Lek et al., 2016); In silico analysis, which includes protein predictors and evolutionary conservation, supports a deleterious effect; Has not been previously published as pathogenic or benign to our knowledge